The following is an entry in ClinVar:

ClinVar aggregate classification (germline): Uncertain significance (1 of 4 stars; one submission).

Conditions:
Hereditary cancer-predisposing syndrome. Also called: Tumor predisposition; Hereditary Cancer Syndrome; Hereditary neoplastic syndrome; Neoplastic Syndromes, Hereditary. Identifiers: Orphanet 140162, MedGen C0027672, MeSH D009386, MONDO:0015356.

Submission:

Ambry Genetics
Classification: Uncertain significance for Hereditary cancer-predisposing syndrome. Last evaluated: 2024-04-04. Review status: criteria provided, single submitter. Criteria: Ambry Variant Classification Scheme 2023. Collection method: clinical testing. Allele origin: germline.
Comment: The p.M35V variant (also known as c.103A>G), located in coding exon 1 of the MET gene, results from an A to G substitution at nucleotide position 103. The methionine at codon 35 is replaced by valine, an amino acid with highly similar properties. This amino acid position is well conserved in available vertebrate species. In addition, the in silico prediction for this alteration is inconclusive. Based on the available evidence, the clinical significance of this variant remains unclear.

NM_000245.4(MET):c.103A>G (p.Met35Val)

Gene: MET (MET proto-oncogene, receptor tyrosine kinase; plus strand). Cytogenetic location: 7q31.2.
Variant type: single nucleotide variant.
Coding change: c.103A>G on transcript NM_000245.4 (MANE Select); coding-DNA position 103, A replaced by G.
Protein change: p.Met35Val; replaces methionine 35 with valine.
Molecular consequence: missense variant. On other transcripts: intron variant (1).
Genome position (GRCh38, 1-based): chr7:116,699,187, A>G. VCF-style: chr7-116699187-A-G. GRCh37 (hg19) VCF-style: chr7-116339241-A-G.
Other names: c.103A>G, p.Met35Val (NM_001127500.3, NM_001324401.3); c.-91+26610A>G (NM_001324402.2); short protein forms M35V.
Identifiers: ClinVar variation 3294316 (VCV003294316.1).
Genomic context (GRCh38, chr7:116,699,187, plus strand): 5'-CTGTTTACCTTGGTGCAGAGGAGCAATGGGGAGTGTAAAGAGGCACTAGCAAAGTCCGAG[A>G]TGAATGTGAATATGAAGTATCAGCTTCCCAACTTCACCGCGGAAACACCCATCCAGAATG-3'
Protein context (NP_000236.2, residues 25-45): ECKEALAKSE[Met35Val]NVNMKYQLPN